The following is an entry in ClinVar:

NM_001012339.3(DNAJC21):c.-9G>C

Gene: DNAJC21 (DnaJ heat shock protein family (Hsp40) member C21; plus strand). Cytogenetic location: 5p13.2.
Variant type: single nucleotide variant.
Coding change: c.-9G>C on transcript NM_001012339.3 (MANE Select); 9 bases upstream of the start codon, G replaced by C.
Molecular consequence: 5 prime UTR variant.
Genome position (GRCh38, 1-based): chr5:34,929,811, G>C. VCF-style: chr5-34929811-G-C. GRCh37 (hg19) VCF-style: chr5-34929916-G-C.
Other names: c.-9G>C (NM_001348420.2, NM_194283.4).
Identifiers: ClinVar variation 4985950 (VCV004985950.1).

ClinVar aggregate classification (germline): Likely benign (1 of 4 stars; one submission).

Conditions:
DNAJC21-related disorder. Also called: DNAJC21-related condition.

Submission:

PreventionGenetics, part of Exact Sciences
Classification: Likely benign for DNAJC21-related condition. Last evaluated: 2025-08-04. Review status: criteria provided, single submitter. Criteria: ACMG Guidelines, 2015. Collection method: clinical testing. Allele origin: germline.
Comment: This variant is classified as likely benign based on ACMG/AMP sequence variant interpretation guidelines (Richards et al. 2015 PMID: 25741868, with internal and published modifications).